The following is an entry in ClinVar:

NM_001267550.2(TTN):c.92364C>T (p.Gly30788=)

Genes: TTN (titin; minus strand), TTN-AS1 (TTN antisense RNA 1; plus strand). Cytogenetic location: 2q31.2.
Variant type: single nucleotide variant.
Coding change: c.92364C>T on transcript NM_001267550.2 (MANE Select); coding-DNA position 92364, C replaced by T.
Protein change: p.Gly30788=; no amino-acid change (glycine 30788 retained).
Molecular consequence: synonymous variant.
Genome position (GRCh38, 1-based): chr2:178,549,262, G>A on the plus strand (C>T on the coding strand, the complement: TTN is on the minus strand). VCF-style: chr2-178549262-G-A. GRCh37 (hg19) VCF-style: chr2-179413989-G-A.
Other names: c.87441C>T, p.Gly29147= (NM_001256850.1); c.65169C>T, p.Gly21723= (NM_003319.4); c.84660C>T, p.Gly28220= (NM_133378.4); c.65544C>T, p.Gly21848= (NM_133432.3); c.65745C>T, p.Gly21915= (NM_133437.4).
Identifiers: ClinVar variation 2636215 (VCV002636215.1), dbSNP rs2154148019, ClinGen allele CA430244609.
Genomic context (GRCh38, chr2:178,549,262, plus strand): 5'-GCCACTTGCAGGTCCAACTCCTGCAGCATTTTCAGCCATGACATGGAATTCATACTCATT[G>A]CCTTCTGTCAGACCAGTGACTTTGAATCTTGTTTCAGAGATTGGTCGTTTGCTGATCACT-3'
Protein context (NP_001254479.2, residues 30778-30798): TRFKVTGLTE[Gly30788=]NEYEFHVMAE

ClinVar aggregate classification (germline): Uncertain significance (1 of 4 stars; one submission).

Conditions:
TTN-related disorder. Also called: TTN-related condition; TTN-related disease; TTN-related disorders.

Allele frequency attached by ClinVar (database versions not stated): gnomAD exomes below 0.00001; gnomAD 0.00001.
gnomAD v4.1: 5 of 1,613,904 alleles (0.00031%); highest among the groups gnomAD compares: Middle Eastern, 0.016%; no homozygotes.

Submission:

PreventionGenetics, part of Exact Sciences
Classification: Uncertain significance for TTN-related condition. Last evaluated: 2023-10-03. Review status: criteria provided, single submitter. Criteria: ACMG Guidelines, 2015. Collection method: clinical testing. Allele origin: germline.
Comment: The TTN c.92364C>T variant is not predicted to result in an amino acid change (p.=). However, this variant is predicted to possibly create a donor splice site within the exon and may result in aberrant splicing. To our knowledge, this variant has not been reported in the literature or in a large population database, indicating this variant is rare. At this time, the clinical significance of this variant is uncertain due to the absence of conclusive functional and genetic evidence.